The following is an entry in ClinVar:

NM_000334.4(SCN4A):c.3475T>C (p.Ser1159Pro)

Genes: GH-LCR (growth hormone locus control region; plus strand), SCN4A (sodium voltage-gated channel alpha subunit 4; minus strand). Cytogenetic location: 17q23.3.
Variant type: single nucleotide variant.
Coding change: c.3475T>C on transcript NM_000334.4 (MANE Select); coding-DNA position 3475, T replaced by C.
Protein change: p.Ser1159Pro; replaces serine 1159 with proline.
Molecular consequence: missense variant.
Genome position (GRCh38, 1-based): chr17:63,945,605, A>G on the plus strand (T>C on the coding strand, the complement: SCN4A is on the minus strand). VCF-style: chr17-63945605-A-G. GRCh37 (hg19) VCF-style: chr17-62022965-A-G.
Other names: short protein forms S1159P.
Identifiers: ClinVar variation 2500312 (VCV002500312.1), dbSNP rs2509291006, ClinGen allele CA400618687.

ClinVar aggregate classification (germline): Likely pathogenic (1 of 4 stars; one submission).

Conditions:
Potassium-aggravated myotonia. Also called: MYOTONIA CONGENITA, ATYPICAL; SODIUM CHANNEL MUSCLE DISEASE; MYOTONIA CONGENITA, ACETAZOLAMIDE-RESPONSIVE; Myotonia congenita, atypical, acetazolamide-responsive. Identifiers: Orphanet 612, Orphanet 99734, Orphanet 99735, Orphanet 99736, MedGen C2931826, MONDO:0018959, OMIM 608390.

Submission:

Institute of Human Genetics, University of Leipzig Medical Center
Classification: Likely pathogenic for Potassium-aggravated myotonia. Last evaluated: 2023-03-27. Review status: criteria provided, single submitter. Criteria: ACMG Guidelines, 2015. Collection method: clinical testing. Allele origin: de novo. Affected: yes.
Comment: This variant was identified as de novo (maternity and paternity confirmed)._x000D_ Criteria applied: PS2_MOD, PM1, PM2_SUP, PP3, PP4